The following is an entry in ClinVar:

ClinVar aggregate classification (germline): Likely pathogenic (1 of 4 stars; one submission).

Conditions:
Rhabdoid tumor predisposition syndrome 2 (RTPS2). Identifiers: Orphanet 231108, Orphanet 69077, MedGen C2750074, MONDO:0013224, OMIM 613325.

Submission:

Labcorp Genetics (formerly Invitae), Labcorp
Classification: Likely pathogenic for Rhabdoid tumor predisposition syndrome 2. Last evaluated: 2022-03-04. Review status: criteria provided, single submitter. Criteria: Invitae Variant Classification Sherloc (09022015). Collection method: clinical testing. Allele origin: germline.
Comment: In summary, the currently available evidence indicates that the variant is pathogenic, but additional data are needed to prove that conclusively. Therefore, this variant has been classified as Likely Pathogenic. Algorithms developed to predict the effect of sequence changes on RNA splicing suggest that this variant may disrupt the consensus splice site. This variant has not been reported in the literature in individuals affected with SMARCA4-related conditions. This variant is not present in population databases (gnomAD no frequency). This sequence change affects an acceptor splice site in intron 3 of the SMARCA4 gene. It is expected to disrupt RNA splicing. Variants that disrupt the donor or acceptor splice site typically lead to a loss of protein function (PMID: 16199547), and loss-of-function variants in SMARCA4 are known to be pathogenic (PMID: 24658001, 24658002).

Literature cited by the submitters: PubMed 16199547; PubMed 24658001; PubMed 24658002.

NM_003072.5(SMARCA4):c.356-2A>G

Gene: SMARCA4 (SWI/SNF related BAF chromatin remodeling complex subunit ATPase 4; plus strand). Cytogenetic location: 19p13.2.
Variant type: single nucleotide variant.
Coding change: c.356-2A>G on transcript NM_003072.5 (MANE Select); the canonical splice acceptor site of the intron before coding-DNA position 356, A replaced by G.
Molecular consequence: splice acceptor variant.
Genome position (GRCh38, 1-based): chr19:10,986,187, A>G. VCF-style: chr19-10986187-A-G. GRCh37 (hg19) VCF-style: chr19-11096863-A-G.
Other names: c.356-2A>G (NM_001128844.3, NM_001128849.3, NM_001128847.4 and 6 more transcripts).
Identifiers: ClinVar variation 2417903 (VCV002417903.7), dbSNP rs2145770748, ClinGen allele CA404055518.